The following is an entry in ClinVar:

NM_000540.3(RYR1):c.4571G>A (p.Gly1524Asp)

Gene: RYR1 (ryanodine receptor 1; plus strand). Cytogenetic location: 19q13.2.
Variant type: single nucleotide variant.
Coding change: c.4571G>A on transcript NM_000540.3 (MANE Select); coding-DNA position 4571, G replaced by A.
Protein change: p.Gly1524Asp; replaces glycine 1524 with aspartic acid.
Molecular consequence: missense variant.
Genome position (GRCh38, 1-based): chr19:38,478,551, G>A. VCF-style: chr19-38478551-G-A. GRCh37 (hg19) VCF-style: chr19-38969191-G-A.
Other names: c.4571G>A, p.Gly1524Asp (NM_001042723.2); short protein forms G1524D.
Identifiers: ClinVar variation 1420979 (VCV001420979.10), dbSNP rs1968859372, ClinGen allele CA405647783.

ClinVar aggregate classification (germline): Uncertain significance. Review status: criteria provided, multiple submitters, no conflicts (2 of 4 stars). 3 submissions from 3 submitters: Uncertain significance (3). Last evaluated 2024-03-05.

Conditions:
RYR1-related disorder. Also called: RYR1-related disorders; RYR1-related condition. Identifiers: MedGen CN239331.
Malignant hyperthermia, susceptibility to, 1 (MHS1). Also called: Anesthesia related hyperthermia; Malignant hyperpyrexia; Fulminating hyperpyrexia; Pharmacogenic myopathy; Malignant hyperthermia suceptibility 1; RYR1-Related Malignant Hyperthermia Susceptibility. Identifiers: Orphanet 423, MedGen C2930980, MONDO:0007783, OMIM 145600.

Allele frequency attached by ClinVar (database versions not stated): gnomAD exomes below 0.00001.
gnomAD v4.1: 2 of 1,613,988 alleles (0.00012%); highest among the groups gnomAD compares: Non-Finnish European, 0.00017%; no homozygotes.

Submissions (3):

All of Us Research Program, National Institutes of Health
Classification: Uncertain significance for Malignant hyperthermia, susceptibility to, 1. Last evaluated: 2024-03-05. Review status: criteria provided, single submitter. Criteria: ACMG Guidelines, 2015. Collection method: clinical testing. Allele origin: germline. Inheritance: Autosomal dominant inheritance. Observed: 2 variant alleles, 2 heterozygotes.
Comment: This missense variant replaces glycine with aspartic acid at codon 1524 of the RYR1 protein. Computational prediction suggests that this variant may have deleterious impact on protein structure and function (internally defined REVEL score threshold >= 0.7, PMID: 27666373). To our knowledge, functional studies have not been reported for this variant. This variant has not been reported in individuals affected with RYR1-related disorders in the literature. This variant has not been identified in the general population by the Genome Aggregation Database (gnomAD). The available evidence is insufficient to determine the role of this variant in disease conclusively. Therefore, this variant is classified as a Variant of Uncertain Significance.

This study involves interpretation of variants in research participants for the purpose of population health screening. Participant phenotype was not available at the time of variant classification. Additional details can be found in publication PMID: 35346344, PMCID: PMC8962531

Color Diagnostics, LLC DBA Color Health
Classification: Uncertain significance for Malignant hyperthermia, susceptibility to, 1. Last evaluated: 2023-10-25. Review status: criteria provided, single submitter. Criteria: ACMG Guidelines, 2015. Collection method: clinical testing. Allele origin: germline.
Comment: This missense variant replaces glycine with aspartic acid at codon 1524 of the RYR1 protein. Computational prediction suggests that this variant may have deleterious impact on protein structure and function. To our knowledge, functional studies have not been reported for this variant. This variant has not been reported in individuals affected with RYR1-related disorders in the literature. This variant has not been identified in the general population by the Genome Aggregation Database (gnomAD). The available evidence is insufficient to determine the role of this variant in disease conclusively. Therefore, this variant is classified as a Variant of Uncertain Significance.

Labcorp Genetics (formerly Invitae), Labcorp
Classification: Uncertain significance for RYR1-related disorder. Last evaluated: 2020-12-06. Review status: criteria provided, single submitter. Criteria: Invitae Variant Classification Sherloc (09022015). Collection method: clinical testing. Allele origin: germline.
Comment: This variant is not present in population databases (ExAC no frequency). This sequence change replaces glycine with aspartic acid at codon 1524 of the RYR1 protein (p.Gly1524Asp). The glycine residue is highly conserved and there is a moderate physicochemical difference between glycine and aspartic acid. In summary, the available evidence is currently insufficient to determine the role of this variant in disease. Therefore, it has been classified as a Variant of Uncertain Significance. Advanced modeling of protein sequence and biophysical properties (such as structural, functional, and spatial information, amino acid conservation, physicochemical variation, residue mobility, and thermodynamic stability) performed at Invitae indicates that this missense variant is expected to disrupt RYR1 protein function. This variant has not been reported in the literature in individuals with RYR1-related conditions.